The following is an entry in ClinVar:

NM_001165963.4(SCN1A):c.2141T>C (p.Met714Thr)

Gene: SCN1A (sodium voltage-gated channel alpha subunit 1; minus strand). Cytogenetic location: 2q24.3.
Variant type: single nucleotide variant.
Coding change: c.2141T>C on transcript NM_001165963.4 (MANE Select); coding-DNA position 2141, T replaced by C.
Protein change: p.Met714Thr; replaces methionine 714 with threonine.
Molecular consequence: missense variant. On other transcripts: 5 prime UTR variant (1), non-coding transcript variant (1).
Genome position (GRCh38, 1-based): chr2:166,042,327, A>G on the plus strand (T>C on the coding strand, the complement: SCN1A is on the minus strand). VCF-style: chr2-166042327-A-G. GRCh37 (hg19) VCF-style: chr2-166898837-A-G.
Other names: c.2057T>C, p.Met686Thr (NM_001165964.3, NM_001353957.2, NM_001353958.2); c.2141T>C, p.Met714Thr (NM_001202435.3, NM_001353948.2); c.2108T>C, p.Met703Thr (NM_001353949.2, NM_001353950.2, NM_001353951.2 and 2 more transcripts); c.2105T>C, p.Met702Thr (NM_001353954.2, NM_001353955.2); c.2054T>C, p.Met685Thr (NM_001353960.2); c.-318T>C (NM_001353961.2); short protein forms M685T, M686T, M702T, M703T, M714T.
Identifiers: ClinVar variation 1718938 (VCV001718938.5), dbSNP rs2468140928, ClinGen allele CA349065751.
Genomic context (GRCh38, chr2:166,042,327, plus strand): 5'-AACGAAAATAGAATTTGTTACCAACCTTCTACTGTATTTGTTAGAATGCTGGCTATACTC[A>G]TTGCTCGTTGCCTTTGGGAAGGATCTTCTAGAAAGTCCATGGAAACGTGGAAAGAACTTG-3'
Protein context (NP_001159435.1, residues 704-724): LEDPSQRQRA[Met714Thr]SIASILTNTV

ClinVar aggregate classification (germline): Uncertain significance (1 of 4 stars; one submission).

Conditions:
Early-infantile DEE. Also called: Early infantile epileptic encephalopathy with suppression bursts; Early infantile epileptic encephalopathy; Ohtahara syndrome. Identifiers: Orphanet 1934, MedGen C0393706, MONDO:0800491.

gnomAD v4.1: 1 of 1,613,928 alleles (0.000062%); highest among the groups gnomAD compares: Non-Finnish European, 0.000085%; no homozygotes.

Submission:

Labcorp Genetics (formerly Invitae), Labcorp
Classification: Uncertain significance for Early-infantile DEE. Last evaluated: 2022-09-06. Review status: criteria provided, single submitter. Criteria: Invitae Variant Classification Sherloc (09022015). Collection method: clinical testing. Allele origin: germline.
Comment: This sequence change replaces methionine, which is neutral and non-polar, with threonine, which is neutral and polar, at codon 714 of the SCN1A protein (p.Met714Thr). This variant is not present in population databases (gnomAD no frequency). This variant has not been reported in the literature in individuals affected with SCN1A-related conditions. Advanced modeling of protein sequence and biophysical properties (such as structural, functional, and spatial information, amino acid conservation, physicochemical variation, residue mobility, and thermodynamic stability) performed at Invitae indicates that this missense variant is not expected to disrupt SCN1A protein function. In summary, the available evidence is currently insufficient to determine the role of this variant in disease. Therefore, it has been classified as a Variant of Uncertain Significance.